The following is an entry in ClinVar:

ClinVar aggregate classification (germline): Likely benign. Review status: criteria provided, multiple submitters, no conflicts (2 of 4 stars). 3 submissions from 3 submitters: Likely benign (3). Last evaluated 2024-10-16.

Allele frequency attached by ClinVar (database versions not stated): ExAC 0.00001; gnomAD exomes 0.00002; TOPMed 0.00002; gnomAD 0.00003.
gnomAD v4.1: 32 of 1,614,014 alleles (0.002%); highest among the groups gnomAD compares: Non-Finnish European, 0.0024%; no homozygotes.

Submissions (3):

Labcorp Genetics (formerly Invitae), Labcorp
Classification: Likely benign. Last evaluated: 2024-10-16. Review status: criteria provided, single submitter. Criteria: Invitae Variant Classification Sherloc (09022015). Collection method: clinical testing. Allele origin: germline.

Blueprint Genetics
Classification: Likely benign. Last evaluated: 2024-08-19. Review status: criteria provided, single submitter. Criteria: ACMG Guidelines, 2015. Collection method: clinical testing. Allele origin: germline.

CeGaT Center for Human Genetics Tuebingen
Classification: Likely benign. Last evaluated: 2022-11-01. Review status: criteria provided, single submitter. Criteria: CeGaT Center For Human Genetics Tuebingen Variant Classification Criteria Version 2. Collection method: clinical testing. Allele origin: germline. Affected: yes. Observed: 1 variant allele.
Comment: ATP1A1: BP4, BP7

NM_000701.8(ATP1A1):c.2187C>T (p.Asp729=)

Genes: ATP1A1 (ATPase Na+/K+ transporting subunit alpha 1; plus strand), ATP1A1-AS1 (ATP1A1 antisense RNA 1; minus strand). Cytogenetic location: 1p13.1.
Variant type: single nucleotide variant.
Coding change: c.2187C>T on transcript NM_000701.8 (MANE Select); coding-DNA position 2187, C replaced by T.
Protein change: p.Asp729=; no amino-acid change (aspartic acid 729 retained).
Molecular consequence: synonymous variant.
Genome position (GRCh38, 1-based): chr1:116,398,683, C>T. VCF-style: chr1-116398683-C-T. GRCh37 (hg19) VCF-style: chr1-116941305-C-T.
Other names: c.2187C>T, p.Asp729= (NM_001160233.2); c.2094C>T, p.Asp698= (NM_001160234.2).
Identifiers: ClinVar variation 2190425 (VCV002190425.29), dbSNP rs754953903, ClinGen allele CA1025498.
Genomic context (GRCh38, chr1:116,398,683, plus strand): 5'-TGCTATCGTGGCTGTGACTGGTGACGGTGTGAATGACTCTCCAGCTTTGAAGAAAGCAGA[C>T]ATTGGGGTTGCTATGGGGATTGCTGGCTCAGATGTGTCCAAGCAAGCTGCTGACATGATT-3'
Protein context (NP_000692.2, residues 719-739): VNDSPALKKA[Asp729=]IGVAMGIAGS